The following is an entry in ClinVar:

ClinVar aggregate classification (germline): Uncertain significance (1 of 4 stars; one submission).

Conditions:
Ullrich congenital muscular dystrophy 2 (UCMD2). Identifiers: Orphanet 75840, MedGen C4225314, MONDO:0014654, OMIM 616470.
Bethlem myopathy 2 (BTHLM2). Identifiers: Orphanet 536516, Orphanet 610, MedGen C4225313, MONDO:0034022, OMIM 616471.

Submission:

Labcorp Genetics (formerly Invitae), Labcorp
Classification: Uncertain significance for Bethlem myopathy 2; Ullrich congenital muscular dystrophy 2. Last evaluated: 2024-09-18. Review status: criteria provided, single submitter. Criteria: Invitae Variant Classification Sherloc (09022015). Collection method: clinical testing. Allele origin: germline.
Comment: This sequence change replaces alanine, which is neutral and non-polar, with threonine, which is neutral and polar, at codon 625 of the COL12A1 protein (p.Ala625Thr). This variant is not present in population databases (gnomAD no frequency). This variant has not been reported in the literature in individuals affected with COL12A1-related conditions. Invitae Evidence Modeling of protein sequence and biophysical properties (such as structural, functional, and spatial information, amino acid conservation, physicochemical variation, residue mobility, and thermodynamic stability) indicates that this missense variant is not expected to disrupt COL12A1 protein function with a negative predictive value of 80%. In summary, the available evidence is currently insufficient to determine the role of this variant in disease. Therefore, it has been classified as a Variant of Uncertain Significance.

NM_004370.6(COL12A1):c.1873G>A (p.Ala625Thr)

Gene: COL12A1 (collagen type XII alpha 1 chain; minus strand). Cytogenetic location: 6q13.
Variant type: single nucleotide variant.
Coding change: c.1873G>A on transcript NM_004370.6 (MANE Select); coding-DNA position 1873, G replaced by A.
Protein change: p.Ala625Thr; replaces alanine 625 with threonine.
Molecular consequence: missense variant. On other transcripts: intron variant (2).
Genome position (GRCh38, 1-based): chr6:75,183,068, C>T on the plus strand (G>A on the coding strand, the complement: COL12A1 is on the minus strand). VCF-style: chr6-75183068-C-T. GRCh37 (hg19) VCF-style: chr6-75892784-C-T.
Other names: c.1873G>A, p.Ala625Thr (NM_001424113.1, NM_001424114.1, NM_001424115.1); c.73+19652G>A (NM_001424116.1, NM_080645.3); short protein forms A625T.
Identifiers: ClinVar variation 3752984 (VCV003752984.2).